The following is an entry in ClinVar:

NM_001014437.3(CARS1):c.-1C>T

Gene: CARS1 (cysteinyl-tRNA synthetase 1; minus strand). Cytogenetic location: 11p15.4.
Variant type: single nucleotide variant.
Coding change: c.-1C>T on transcript NM_001014437.3 (MANE Select); 1 bases upstream of the start codon, C replaced by T.
Molecular consequence: 5 prime UTR variant. On other transcripts: non-coding transcript variant (4).
Genome position (GRCh38, 1-based): chr11:3,057,368, G>A on the plus strand (C>T on the coding strand, the complement: CARS1 is on the minus strand). VCF-style: chr11-3057368-G-A. GRCh37 (hg19) VCF-style: chr11-3078598-G-A.
Other names: c.-1C>T (NM_001194997.2, NM_001751.6, NM_139273.4); c.-125C>T (NM_001378136.1); c.-78C>T (NM_001378137.1, NM_001378138.1); c.-327C>T (NM_001378139.1).
Identifiers: ClinVar variation 3030390 (VCV003030390.2), dbSNP rs545693297, ClinGen allele CA5824580.

ClinVar aggregate classification (germline): Likely benign (0 of 4 stars; one submission).

Conditions:
CARS1-related disorder. Also called: CARS1-related condition.

Allele frequency attached by ClinVar (database versions not stated): gnomAD exomes 0.00001; ExAC 0.00003; gnomAD 0.00008; TOPMed 0.00010; 1000 Genomes Project 30x 0.00016; 1000 Genomes Project 0.00020.

Submission:

PreventionGenetics, part of Exact Sciences
Classification: Likely benign for CARS1-related condition. Last evaluated: 2022-12-22. Review status: no assertion criteria provided. Collection method: clinical testing. Allele origin: germline.
Comment: This variant is classified as likely benign based on ACMG/AMP sequence variant interpretation guidelines (Richards et al. 2015 PMID: 25741868, with internal and published modifications).